The following is an entry in ClinVar:

ClinVar aggregate classification (germline): Uncertain significance (1 of 4 stars; one submission).

Conditions:
Dilated cardiomyopathy 1G (CMD1G). Identifiers: Orphanet 154, MedGen C1858763, MONDO:0011400, OMIM 604145.
Autosomal recessive limb-girdle muscular dystrophy type 2J (LGMDR10). Also called: Limb-girdle muscular dystrophy, type 2J; MUSCULAR DYSTROPHY, LIMB-GIRDLE, AUTOSOMAL RECESSIVE 10. Identifiers: Orphanet 140922, MedGen C1837342, MONDO:0012127, OMIM 608807.

Submission:

Labcorp Genetics (formerly Invitae), Labcorp
Classification: Uncertain significance for Dilated cardiomyopathy 1G; Autosomal recessive limb-girdle muscular dystrophy type 2J. Last evaluated: 2026-01-15. Review status: criteria provided, single submitter. Criteria: Invitae Variant Classification Sherloc (09022015). Collection method: clinical testing. Allele origin: germline.
Comment: This sequence change replaces proline, which is neutral and non-polar, with glutamine, which is neutral and polar, at codon 34391 of the TTN protein (p.Pro34391Gln). This variant is present in population databases (no rsID available, gnomAD 0.003%). This variant has not been reported in the literature in individuals affected with TTN-related conditions. ClinVar contains an entry for this variant (Variation ID: 846999). Experimental studies and prediction algorithms are not available or were not evaluated, and the functional significance of this variant is currently unknown. This variant is located in the M band of TTN (PMID: 25589632). Non-truncating variants in this region may be relevant for neuromuscular disorders, but have not been definitively shown to cause cardiomyopathy (PMID: 23975875). In summary, the available evidence is currently insufficient to determine the role of this variant in disease. Therefore, it has been classified as a Variant of Uncertain Significance.

Literature cited by the submitters: PubMed 25589632; PubMed 23975875.

NM_001267550.2(TTN):c.103172C>A (p.Pro34391Gln)

Genes: TTN-AS1 (TTN antisense RNA 1; plus strand), TTN (titin; minus strand). Cytogenetic location: 2q31.2.
Variant type: single nucleotide variant.
Coding change: c.103172C>A on transcript NM_001267550.2 (MANE Select); coding-DNA position 103172, C replaced by A.
Protein change: p.Pro34391Gln; replaces proline 34391 with glutamine.
Molecular consequence: missense variant.
Genome position (GRCh38, 1-based): chr2:178,533,443, G>T on the plus strand (C>A on the coding strand, the complement: TTN is on the minus strand). VCF-style: chr2-178533443-G-T. GRCh37 (hg19) VCF-style: chr2-179398170-G-T.
Other names: c.98249C>A, p.Pro32750Gln (NM_001256850.1); c.75977C>A, p.Pro25326Gln (NM_003319.4); c.95468C>A, p.Pro31823Gln (NM_133378.4); c.76352C>A, p.Pro25451Gln (NM_133432.3); c.76553C>A, p.Pro25518Gln (NM_133437.4); short protein forms P25451Q, P25518Q, P31823Q, P34391Q, P25326Q, P32750Q.
Identifiers: ClinVar variation 846999 (VCV000846999.8), dbSNP rs775343253, ClinGen allele CA349414917.